The following is an entry in ClinVar:

NM_003442.6(ZNF143):c.490_504del (p.Gly164_Gly168del)

Gene: ZNF143 (zinc finger protein 143; plus strand). Cytogenetic location: 11p15.4.
Variant type: Deletion.
Coding change: c.490_504del on transcript NM_003442.6 (MANE Select); coding-DNA positions 490 to 504, 15 bases deleted (GGGACAGTGGCAGGT).
Protein change: p.Gly164_Gly168del.
Genome position (GRCh38, 1-based): chr11:9,478,506-9,478,520, GGGACAGTGGCAGGT deleted; deleting any 15 consecutive bases within chr11:9,478,505-9,478,520 gives the same sequence; the c. name uses the placement nearest the transcript's 3' end. VCF-style (leftmost placement, unchanged base first): chr11-9478504-ATGGGACAGTGGCAGG-A. GRCh37 (hg19) VCF-style: chr11-9500051-ATGGGACAGTGGCAGG-A.
Other names: c.487_501del, p.Gly163_Gly167del (NM_001282656.2); c.397_411del, p.Gly133_Gly137del (NM_001282657.2).
Identifiers: ClinVar variation 3677607 (VCV003677607.2).

ClinVar aggregate classification (germline): Uncertain significance (1 of 4 stars; one submission).

Submission:

Labcorp Genetics (formerly Invitae), Labcorp
Classification: Uncertain significance. Last evaluated: 2025-11-13. Review status: criteria provided, single submitter. Criteria: Invitae Variant Classification Sherloc (09022015). Collection method: clinical testing. Allele origin: germline.
Comment: This variant, c.490_504del, results in the deletion of 5 amino acid(s) of the ZNF143 protein (p.Gly164_Gly168del), but otherwise preserves the integrity of the reading frame. This variant is present in population databases (rs747829744, gnomAD 0.0009%). This variant has not been reported in the literature in individuals affected with ZNF143-related conditions. ClinVar contains an entry for this variant (Variation ID: 3677607). Experimental studies and prediction algorithms are not available or were not evaluated, and the functional significance of this variant is currently unknown. In summary, the available evidence is currently insufficient to determine the role of this variant in disease. Therefore, it has been classified as a Variant of Uncertain Significance.